The following is an entry in ClinVar:

ClinVar aggregate classification (germline): Likely pathogenic. Review status: criteria provided, multiple submitters, no conflicts (2 of 4 stars). 3 submissions from 3 submitters: Likely pathogenic (3). Last evaluated 2025-04-03.

Conditions:
Autosomal recessive limb-girdle muscular dystrophy. Identifiers: Orphanet 102015, MedGen C2931907, MONDO:0015152.
Neuromuscular disease caused by qualitative or quantitative defects of dysferlin. Also called: Dysferlinopathy; Qualitative or quantitative defects of dysferlin. Identifiers: Orphanet 207073, MedGen C2931687, MONDO:0016145.
Miyoshi muscular dystrophy 1 (MMD1). Identifiers: Orphanet 45448, MedGen C4551973, MONDO:0024545, OMIM 254130.

gnomAD v4.1: 3 of 1,614,100 alleles (0.00019%); highest among the groups gnomAD compares: South Asian, 0.0011%; no homozygotes.

Submissions (3):

Women's Health and Genetics/Laboratory Corporation of America, LabCorp
Classification: Likely pathogenic for Autosomal recessive limb-girdle muscular dystrophy. Last evaluated: 2025-04-03. Review status: criteria provided, single submitter. Criteria: LabCorp Variant Classification Summary - May 2015. Collection method: clinical testing. Allele origin: germline.
Comment: Variant summary: DYSF c.3280T>C (p.Trp1094Arg) results in a non-conservative amino acid change in the encoded protein sequence. Five of five in-silico tools predict a damaging effect of the variant on protein function. The variant was absent in 251194 control chromosomes. c.3280T>C has been reported in the literature in individuals affected with Limb-Girdle Muscular Dystrophy, Autosomal Recessive (examples:Winckler_2019, Chakravorty_2020, Zhong_2021). These data indicate that the variant is likely to be associated with disease. To our knowledge, no experimental evidence demonstrating an impact on protein function has been reported. The following publications have been ascertained in the context of this evaluation (PMID: 33250842, 31268554, 34559919). ClinVar contains an entry for this variant (Variation ID: 2153164). Based on the evidence outlined above, the variant was classified as likely pathogenic.

Baylor Genetics
Classification: Likely pathogenic for Miyoshi muscular dystrophy 1. Last evaluated: 2024-03-06. Review status: criteria provided, single submitter. Criteria: ACMG Guidelines, 2015. Collection method: clinical testing. Allele origin: unknown.

Labcorp Genetics (formerly Invitae), Labcorp
Classification: Likely pathogenic for Neuromuscular disease caused by qualitative or quantitative defects of dysferlin. Last evaluated: 2023-09-08. Review status: criteria provided, single submitter. Criteria: Invitae Variant Classification Sherloc (09022015). Collection method: clinical testing. Allele origin: germline.
Comment: This variant is not present in population databases (gnomAD no frequency). In summary, the currently available evidence indicates that the variant is pathogenic, but additional data are needed to prove that conclusively. Therefore, this variant has been classified as Likely Pathogenic. Advanced modeling of protein sequence and biophysical properties (such as structural, functional, and spatial information, amino acid conservation, physicochemical variation, residue mobility, and thermodynamic stability) performed at Invitae indicates that this missense variant is expected to disrupt DYSF protein function. ClinVar contains an entry for this variant (Variation ID: 2153164). This missense change has been observed in individual(s) with DYSF-related conditions (PMID: 31268554, 33250842). This sequence change replaces tryptophan, which is neutral and slightly polar, with arginine, which is basic and polar, at codon 1094 of the DYSF protein (p.Trp1094Arg).

Literature cited by the submitters: PubMed 33250842 (cited by Women's Health and Genetics/Laboratory Corporation of America, LabCorp and Labcorp Genetics (formerly Invitae), Labcorp); PubMed 34559919 (cited by Women's Health and Genetics/Laboratory Corporation of America, LabCorp); PubMed 31268554 (cited by Women's Health and Genetics/Laboratory Corporation of America, LabCorp and Labcorp Genetics (formerly Invitae), Labcorp).

NM_001130987.2(DYSF):c.3334T>C (p.Trp1112Arg)

Gene: DYSF (dysferlin; plus strand). Cytogenetic location: 2p13.2.
Variant type: single nucleotide variant.
Coding change: c.3334T>C on transcript NM_001130987.2 (MANE Select); coding-DNA position 3334, T replaced by C.
Protein change: p.Trp1112Arg; replaces tryptophan 1112 with arginine.
Molecular consequence: missense variant.
Genome position (GRCh38, 1-based): chr2:71,574,303, T>C. VCF-style: chr2-71574303-T-C. GRCh37 (hg19) VCF-style: chr2-71801433-T-C.
Other names: c.3283T>C, p.Trp1095Arg (NM_001130455.2, NM_001130983.2); c.3238T>C, p.Trp1080Arg (NM_001130976.2, NM_001130977.2); c.3280T>C, p.Trp1094Arg (NM_001130978.2, NM_003494.4); c.3373T>C, p.Trp1125Arg (NM_001130979.2); c.3331T>C, p.Trp1111Arg (NM_001130980.2, NM_001130981.2); c.3376T>C, p.Trp1126Arg (NM_001130982.2); c.3241T>C, p.Trp1081Arg (NM_001130984.2, NM_001130986.2); c.3334T>C, p.Trp1112Arg (NM_001130985.2); short protein forms W1125R, W1126R, W1080R, W1081R, W1095R, W1112R, W1094R, W1111R.
Identifiers: ClinVar variation 2153164 (VCV002153164.8), dbSNP rs2545876644, ClinGen allele CA347218251.